The following is an entry in ClinVar:

NM_002772.3(TMPRSS15):c.2998C>T (p.Arg1000Cys)

Gene: TMPRSS15 (transmembrane serine protease 15; minus strand). Cytogenetic location: 21q21.1.
Variant type: single nucleotide variant.
Coding change: c.2998C>T on transcript NM_002772.3 (MANE Select); coding-DNA position 2998, C replaced by T.
Protein change: p.Arg1000Cys; replaces arginine 1000 with cysteine.
Molecular consequence: missense variant.
Genome position (GRCh38, 1-based): chr21:18,270,031, G>A on the plus strand (C>T on the coding strand, the complement: TMPRSS15 is on the minus strand). VCF-style: chr21-18270031-G-A. GRCh37 (hg19) VCF-style: chr21-19642348-G-A.
Other names: short protein forms R1000C.
Identifiers: ClinVar variation 2125905 (VCV002125905.2), dbSNP rs146695857, ClinGen allele CA9983845.

ClinVar aggregate classification (germline): Uncertain significance (1 of 4 stars; one submission).

Allele frequency attached by ClinVar (database versions not stated): 1000 Genomes Project 30x 0.00031.
gnomAD v4.1: 21 of 1,613,944 alleles (0.0013%); highest among the groups gnomAD compares: African/African-American, 0.011%; no homozygotes.

Submission:

Labcorp Genetics (formerly Invitae), Labcorp
Classification: Uncertain significance. Last evaluated: 2022-07-26. Review status: criteria provided, single submitter. Criteria: Invitae Variant Classification Sherloc (09022015). Collection method: clinical testing. Allele origin: germline.
Comment: This sequence change replaces arginine, which is basic and polar, with cysteine, which is neutral and slightly polar, at codon 1000 of the TMPRSS15 protein (p.Arg1000Cys). This variant is present in population databases (rs146695857, gnomAD 0.008%). This variant has not been reported in the literature in individuals affected with TMPRSS15-related conditions. Algorithms developed to predict the effect of missense changes on protein structure and function are either unavailable or do not agree on the potential impact of this missense change (SIFT: "Not Available"; PolyPhen-2: "Probably Damaging"; Align-GVGD: "Not Available"). In summary, the available evidence is currently insufficient to determine the role of this variant in disease. Therefore, it has been classified as a Variant of Uncertain Significance.